The following is an entry in ClinVar:

NM_014714.4(IFT140):c.3875T>C (p.Val1292Ala)

Gene: IFT140 (intraflagellar transport 140; minus strand). Cytogenetic location: 16p13.3.
Variant type: single nucleotide variant.
Coding change: c.3875T>C on transcript NM_014714.4 (MANE Select); coding-DNA position 3875, T replaced by C.
Protein change: p.Val1292Ala; replaces valine 1292 with alanine.
Molecular consequence: missense variant.
Genome position (GRCh38, 1-based): chr16:1,520,046, A>G on the plus strand (T>C on the coding strand, the complement: IFT140 is on the minus strand). VCF-style: chr16-1520046-A-G. GRCh37 (hg19) VCF-style: chr16-1570047-A-G.
Other names: c.3875T>C (NM_014714.3); short protein forms V1292A.
Identifiers: ClinVar variation 1393656 (VCV001393656.5), dbSNP rs138311751, ClinGen allele CA7812989.

ClinVar aggregate classification (germline): Uncertain significance. Review status: criteria provided, multiple submitters, no conflicts (2 of 4 stars). 3 submissions from 3 submitters: Uncertain significance (3). Last evaluated 2024-10-01.

Conditions:
Saldino-Mainzer syndrome (SRTD9). Also called: CONORENAL SYNDROME; Renal dysplasia, retinal pigmentary dystrophy, cerebellar ataxia and skeletal dysplasia; SHORT-RIB THORACIC DYSPLASIA 9 WITHOUT POLYDACTYLY; short-rib thoracic dysplasia 9 with or without polydactyly. Identifiers: Orphanet 140969, MedGen C1849437, MONDO:0009964, OMIM 266920.
Retinitis pigmentosa 80 (RP80). Identifiers: MedGen C4540439, MONDO:0054708, OMIM 617781.
Inborn genetic diseases. Identifiers: MedGen C0950123, MeSH D030342.

Allele frequency attached by ClinVar (database versions not stated): gnomAD exomes below 0.00001 and 0.00001; ExAC 0.00002; gnomAD 0.00002; TOPMed 0.00003.
gnomAD v4.1: 8 of 1,603,452 alleles (0.0005%); highest among the groups gnomAD compares: African/African-American, 0.0094%; no homozygotes.

Submissions (3):

Ambry Genetics
Classification: Uncertain significance for Inborn genetic diseases. Last evaluated: 2024-10-01. Review status: criteria provided, single submitter. Criteria: Ambry Variant Classification Scheme 2023. Collection method: clinical testing. Allele origin: germline.

Fulgent Genetics
Classification: Uncertain significance for Saldino-Mainzer syndrome; Retinitis pigmentosa 80. Last evaluated: 2022-05-25. Review status: criteria provided, single submitter. Criteria: ACMG Guidelines, 2015. Collection method: clinical testing. Allele origin: unknown.

Labcorp Genetics (formerly Invitae), Labcorp
Classification: Uncertain significance for Saldino-Mainzer syndrome. Last evaluated: 2022-03-10. Review status: criteria provided, single submitter. Criteria: Invitae Variant Classification Sherloc (09022015). Collection method: clinical testing. Allele origin: germline.
Comment: This sequence change replaces valine, which is neutral and non-polar, with alanine, which is neutral and non-polar, at codon 1292 of the IFT140 protein (p.Val1292Ala). This variant is present in population databases (rs138311751, gnomAD 0.02%). This variant has not been reported in the literature in individuals affected with IFT140-related conditions. Algorithms developed to predict the effect of missense changes on protein structure and function are either unavailable or do not agree on the potential impact of this missense change (SIFT: "Deleterious"; PolyPhen-2: "Possibly Damaging"; Align-GVGD: "Class C0"). In summary, the available evidence is currently insufficient to determine the role of this variant in disease. Therefore, it has been classified as a Variant of Uncertain Significance.